The following is an entry in ClinVar:

ClinVar aggregate classification (germline): Uncertain significance (1 of 4 stars; one submission).

Conditions:
Duchenne muscular dystrophy (DMD). Also called: MUSCULAR DYSTROPHY, PSEUDOHYPERTROPHIC PROGRESSIVE, DUCHENNE TYPE; Duchenne Muscular Dystrophy (DMD). Identifiers: Orphanet 98896, MedGen C0013264, MONDO:0010679, OMIM 310200.

Submission:

Labcorp Genetics (formerly Invitae), Labcorp
Classification: Uncertain significance for Duchenne muscular dystrophy. Last evaluated: 2020-10-28. Review status: criteria provided, single submitter. Criteria: Invitae Variant Classification Sherloc (09022015). Collection method: clinical testing. Allele origin: germline.
Comment: In summary, the available evidence is currently insufficient to determine the role of this variant in disease. Therefore, it has been classified as a Variant of Uncertain Significance. Experimental studies and prediction algorithms are not available or were not evaluated, and the functional significance of this variant is currently unknown. This variant has been observed in individual(s) with Becker muscular dystrophy (Invitae). This variant results in a copy number gain of the genomic region encompassing exon(s) 30-57 of the DMD gene. While the exact position of this variant cannot be determined from the data, sub-genic copy number gains are generally in tandem (PMID: 25640679). This variant is predicted to be in-frame, and likely preserves the integrity of the reading frame.

Literature cited by the submitters: PubMed 25640679.

NC_000023.10:g.(?_31514885)_(32430050_?)dup

Gene: DMD (dystrophin; minus strand). Cytogenetic location: Xp21.1.
Variant type: Duplication.
Identifiers: ClinVar variation 1062574 (VCV001062574.8).